The following is an entry in ClinVar:

ClinVar aggregate classification (germline): Uncertain significance (1 of 4 stars; one submission).

gnomAD v4.1: 22 of 1,614,050 alleles (0.0014%); highest among the groups gnomAD compares: Admixed American, 0.01%; no homozygotes.

Submission:

Labcorp Genetics (formerly Invitae), Labcorp
Classification: Uncertain significance. Last evaluated: 2025-12-20. Review status: criteria provided, single submitter. Criteria: Invitae Variant Classification Sherloc (09022015). Collection method: clinical testing. Allele origin: germline.
Comment: This sequence change replaces serine, which is neutral and polar, with asparagine, which is neutral and polar, at codon 2211 of the ARID1A protein (p.Ser2211Asn). This variant is present in population databases (rs749644171, gnomAD 0.009%). This variant has not been reported in the literature in individuals affected with ARID1A-related conditions. ClinVar contains an entry for this variant (Variation ID: 3604132). Invitae Evidence Modeling of protein sequence and biophysical properties (such as structural, functional, and spatial information, amino acid conservation, physicochemical variation, residue mobility, and thermodynamic stability) indicates that this missense variant is not expected to disrupt ARID1A protein function with a negative predictive value of 80%. In summary, the available evidence is currently insufficient to determine the role of this variant in disease. Therefore, it has been classified as a Variant of Uncertain Significance.

NM_006015.6(ARID1A):c.6632G>A (p.Ser2211Asn)

Gene: ARID1A (AT-rich interaction domain 1A; plus strand). Cytogenetic location: 1p36.11.
Variant type: single nucleotide variant.
Coding change: c.6632G>A on transcript NM_006015.6 (MANE Select); coding-DNA position 6632, G replaced by A.
Protein change: p.Ser2211Asn; replaces serine 2211 with asparagine.
Molecular consequence: missense variant.
Genome position (GRCh38, 1-based): chr1:26,780,530, G>A. VCF-style: chr1-26780530-G-A. GRCh37 (hg19) VCF-style: chr1-27107021-G-A.
Other names: c.5981G>A, p.Ser1994Asn (NM_139135.4); short protein forms S1994N, S2211N.
Identifiers: ClinVar variation 3604132 (VCV003604132.2).